The following is an entry in ClinVar:

NM_006767.4(LZTR1):c.1449+9C>G

Gene: LZTR1 (leucine zipper like post translational regulator 1; plus strand). Cytogenetic location: 22q11.21.
Variant type: single nucleotide variant.
Coding change: c.1449+9C>G on transcript NM_006767.4 (MANE Select); 9 bases into the intron after coding-DNA position 1449, C replaced by G.
Molecular consequence: intron variant.
Genome position (GRCh38, 1-based): chr22:20,994,028, C>G. VCF-style: chr22-20994028-C-G. GRCh37 (hg19) VCF-style: chr22-21348317-C-G.
Other names: c.1449+9C>G (NM_006767.3).
Identifiers: ClinVar variation 1164387 (VCV001164387.11), dbSNP rs756813850, ClinGen allele CA10118892.

ClinVar aggregate classification (germline): Benign. Review status: criteria provided, single submitter (1 of 4 stars). 2 submissions from 2 submitters: Benign (1). 1 of the submissions does not count toward it. Last evaluated 2025-12-28.

Conditions:
LZTR1-related disorder. Also called: LZTR1-related disorders; LZTR1-related condition.

Allele frequency attached by ClinVar (database versions not stated): gnomAD 0.00002; ExAC 0.00011.
gnomAD v4.1: 69 of 1,600,132 alleles (0.0043%); highest among the groups gnomAD compares: South Asian, 0.077%; no homozygotes.

Submissions (2):

Labcorp Genetics (formerly Invitae), Labcorp
Classification: Benign. Last evaluated: 2025-12-28. Review status: criteria provided, single submitter. Criteria: Invitae Variant Classification Sherloc (09022015). Collection method: clinical testing. Allele origin: germline.

PreventionGenetics, part of Exact Sciences
Classification: Likely benign for LZTR1-related condition. Last evaluated: 2019-08-02. Review status: no assertion criteria provided. Collection method: clinical testing. Allele origin: germline. Not counted in ClinVar's aggregate classification.
Comment: This variant is classified as likely benign based on ACMG/AMP sequence variant interpretation guidelines (Richards et al. 2015 PMID: 25741868, with internal and published modifications).